The following is an entry in ClinVar:

ClinVar aggregate classification (germline): Uncertain significance. Review status: criteria provided, multiple submitters, no conflicts (2 of 4 stars). 2 submissions from 2 submitters: Uncertain significance (2). Last evaluated 2025-08-24.

Allele frequency attached by ClinVar (database versions not stated): ExAC 0.00001; TOPMed 0.00001; gnomAD 0.00002; gnomAD exomes 0.00003.
gnomAD v4.1: 43 of 1,610,762 alleles (0.0027%); highest among the groups gnomAD compares: Admixed American, 0.0067%; no homozygotes.

Submissions (2):

Ambry Genetics
Classification: Uncertain significance. Last evaluated: 2025-08-24. Review status: criteria provided, single submitter. Criteria: Ambry Variant Classification Scheme 2023. Collection method: clinical testing. Allele origin: germline.

Labcorp Genetics (formerly Invitae), Labcorp
Classification: Uncertain significance. Last evaluated: 2024-10-16. Review status: criteria provided, single submitter. Criteria: Invitae Variant Classification Sherloc (09022015). Collection method: clinical testing. Allele origin: germline.
Comment: This sequence change replaces glutamic acid, which is acidic and polar, with lysine, which is basic and polar, at codon 1600 of the FAT2 protein (p.Glu1600Lys). This variant is present in population databases (rs766173793, gnomAD 0.01%). This variant has not been reported in the literature in individuals affected with FAT2-related conditions. ClinVar contains an entry for this variant (Variation ID: 2192413). Invitae Evidence Modeling of protein sequence and biophysical properties (such as structural, functional, and spatial information, amino acid conservation, physicochemical variation, residue mobility, and thermodynamic stability) indicates that this missense variant is not expected to disrupt FAT2 protein function with a negative predictive value of 80%. In summary, the available evidence is currently insufficient to determine the role of this variant in disease. Therefore, it has been classified as a Variant of Uncertain Significance.

NM_001447.3(FAT2):c.4798G>A (p.Glu1600Lys)

Genes: FAT2 (FAT atypical cadherin 2; minus strand), SLC36A1 (solute carrier family 36 member 1; plus strand). Cytogenetic location: 5q33.1.
Variant type: single nucleotide variant.
Coding change: c.4798G>A on transcript NM_001447.3 (MANE Select); coding-DNA position 4798, G replaced by A.
Protein change: p.Glu1600Lys; replaces glutamic acid 1600 with lysine.
Molecular consequence: missense variant.
Genome position (GRCh38, 1-based): chr5:151,546,329, C>T on the plus strand (G>A on the coding strand, the complement: FAT2 is on the minus strand). VCF-style: chr5-151546329-C-T. GRCh37 (hg19) VCF-style: chr5-150925890-C-T.
Other names: c.4798G>A (NM_001447.2); short protein forms E1600K.
Identifiers: ClinVar variation 2192413 (VCV002192413.7), dbSNP rs766173793, ClinGen allele CA3521432.